The following is an entry in ClinVar:

NM_000142.5(FGFR3):c.1829C>A (p.Ser610Tyr)

Gene: FGFR3 (fibroblast growth factor receptor 3; plus strand). Cytogenetic location: 4p16.3.
Variant type: single nucleotide variant.
Coding change: c.1829C>A on transcript NM_000142.5 (MANE Select); coding-DNA position 1829, C replaced by A.
Protein change: p.Ser610Tyr; replaces serine 610 with tyrosine.
Molecular consequence: missense variant. On other transcripts: non-coding transcript variant (1).
Genome position (GRCh38, 1-based): chr4:1,805,933, C>A. VCF-style: chr4-1805933-C-A. GRCh37 (hg19) VCF-style: chr4-1807660-C-A.
Other names: c.1835C>A, p.Ser612Tyr (NM_001163213.2); c.1832C>A, p.Ser611Tyr (NM_001354809.2, NM_001354810.2); c.1493C>A, p.Ser498Tyr (NM_022965.4); short protein forms S498Y, S610Y, S611Y, S612Y.
Identifiers: ClinVar variation 1321739 (VCV001321739.8), dbSNP rs1176295260, ClinGen allele CA355982013.

ClinVar aggregate classification (germline): Uncertain significance. Review status: criteria provided, multiple submitters, no conflicts (2 of 4 stars). 3 submissions from 3 submitters: Uncertain significance (3). Last evaluated 2025-05-19.

Conditions:
Inborn genetic diseases. Identifiers: MedGen C0950123, MeSH D030342.

Allele frequency attached by ClinVar (database versions not stated): TOPMed 0.00002; gnomAD 0.00003.
gnomAD v4.1: 40 of 1,608,340 alleles (0.0025%); highest among the groups gnomAD compares: Admixed American, 0.0033%; no homozygotes.

Submissions (3):

Labcorp Genetics (formerly Invitae), Labcorp
Classification: Uncertain significance. Last evaluated: 2025-05-19. Review status: criteria provided, single submitter. Criteria: Invitae Variant Classification Sherloc (09022015). Collection method: clinical testing. Allele origin: germline.
Comment: This sequence change replaces serine, which is neutral and polar, with tyrosine, which is neutral and polar, at codon 610 of the FGFR3 protein (p.Ser610Tyr). This variant is present in population databases (no rsID available, gnomAD 0.004%). This variant has not been reported in the literature in individuals affected with FGFR3-related conditions. ClinVar contains an entry for this variant (Variation ID: 1321739). Invitae Evidence Modeling of protein sequence and biophysical properties (such as structural, functional, and spatial information, amino acid conservation, physicochemical variation, residue mobility, and thermodynamic stability) indicates that this missense variant is expected to disrupt FGFR3 protein function with a positive predictive value of 95%. In summary, the available evidence is currently insufficient to determine the role of this variant in disease. Therefore, it has been classified as a Variant of Uncertain Significance.

Ambry Genetics
Classification: Uncertain significance for Inborn genetic diseases. Last evaluated: 2023-02-16. Review status: criteria provided, single submitter. Criteria: Ambry Variant Classification Scheme 2023. Collection method: clinical testing. Allele origin: germline.

GeneDx
Classification: Uncertain significance. Last evaluated: 2021-10-28. Review status: criteria provided, single submitter. Criteria: GeneDx Variant Classification Process June 2021. Collection method: clinical testing. Allele origin: germline. Affected: yes.
Comment: Not observed at a significant frequency in large population cohorts (Lek et al., 2016); In silico analysis supports that this missense variant has a deleterious effect on protein structure/function; Has not been previously published as pathogenic or benign to our knowledge